The following is an entry in ClinVar:

ClinVar aggregate classification (germline): Uncertain significance. Review status: criteria provided, multiple submitters, no conflicts (2 of 4 stars). 7 submissions from 7 submitters: Uncertain significance (7). Last evaluated 2025-11-24.

Conditions:
Hereditary cancer-predisposing syndrome. Also called: Tumor predisposition; Hereditary Cancer Syndrome; Hereditary neoplastic syndrome; Neoplastic Syndromes, Hereditary. Identifiers: Orphanet 140162, MedGen C0027672, MeSH D009386, MONDO:0015356.
Fanconi anemia complementation group J. Also called: BRIP1-Related Fanconi Anemia. Identifiers: Orphanet 84, MedGen C1836860, MONDO:0012187, OMIM 609054.
Familial cancer of breast. Also called: hereditary breast carcinoma; BREAST CANCER, FAMILIAL; Hereditary breast cancer. Identifiers: Orphanet 227535, MedGen C0346153, MONDO:0016419, OMIM 114480. Disease mechanism: loss of function.

Allele frequency attached by ClinVar (database versions not stated): gnomAD exomes 0.00001 and 0.00002; ExAC 0.00002; TOPMed 0.00002; gnomAD 0.00003.
gnomAD v4.1: 40 of 1,613,862 alleles (0.0025%); highest among the groups gnomAD compares: Non-Finnish European, 0.003%; no homozygotes.

Submissions (7):

Labcorp Genetics (formerly Invitae), Labcorp
Classification: Uncertain significance for Familial cancer of breast; Fanconi anemia complementation group J. Last evaluated: 2025-11-24. Review status: criteria provided, single submitter. Criteria: Invitae Variant Classification Sherloc (09022015). Collection method: clinical testing. Allele origin: germline.
Comment: This sequence change replaces glutamine, which is neutral and polar, with glutamic acid, which is acidic and polar, at codon 554 of the BRIP1 protein (p.Gln554Glu). This variant is present in population databases (rs777217004, gnomAD 0.002%). This missense change has been observed in individual(s) with breast and/or ovarian cancer (PMID: 26534844, 38136308). ClinVar contains an entry for this variant (Variation ID: 233173). Invitae Evidence Modeling of protein sequence and biophysical properties (such as structural, functional, and spatial information, amino acid conservation, physicochemical variation, residue mobility, and thermodynamic stability) indicates that this missense variant is not expected to disrupt BRIP1 protein function with a negative predictive value of 95%. In summary, the available evidence is currently insufficient to determine the role of this variant in disease. Therefore, it has been classified as a Variant of Uncertain Significance.

Color Diagnostics, LLC DBA Color Health
Classification: Uncertain significance for Hereditary cancer-predisposing syndrome. Last evaluated: 2025-04-08. Review status: criteria provided, single submitter. Criteria: ACMG Guidelines, 2015. Collection method: clinical testing. Allele origin: germline.
Comment: This missense variant replaces glutamine with glutamic acid at codon 554 of the BRIP1 protein. Computational prediction suggests that this variant may not impact protein structure and function. To our knowledge, functional studies have not been reported for this variant. This variant has been reported in an individual affected with breast cancer (PMID: 26534844) and in families at high risk of breast or ovarian cancer (PMID: 26921362, 38136308). One of these families also carried a pathogenic variant in the BRCA1 gene (PMID: 26921362). This variant has been identified in 3/282724 chromosomes in the general population by the Genome Aggregation Database (gnomAD). The available evidence is insufficient to determine the role of this variant in disease conclusively. Therefore, this variant is classified as a Variant of Uncertain Significance.

Ambry Genetics
Classification: Uncertain significance for Hereditary cancer-predisposing syndrome. Last evaluated: 2025-01-19. Review status: criteria provided, single submitter. Criteria: Ambry Variant Classification Scheme 2023. Collection method: clinical testing. Allele origin: germline.
Comment: The p.Q554E variant (also known as c.1660C>G), located in coding exon 11 of the BRIP1 gene, results from a C to G substitution at nucleotide position 1660. The glutamine at codon 554 is replaced by glutamic acid, an amino acid with highly similar properties. This alteration was reported in two HBOC families; one of these families reportedly had co-occurrence with a likely pathogenic variant in BRCA1 (Li J et al. J. Med. Genet.2016 Jan;53(1):34-42). This amino acid position is well conserved in available vertebrate species. In addition, this alteration is predicted to be tolerated by in silico analysis. Based on the available evidence, the clinical significance of this variant remains unclear.

Baylor Genetics
Classification: Uncertain significance for Familial cancer of breast. Last evaluated: 2024-03-15. Review status: criteria provided, single submitter. Criteria: ACMG Guidelines, 2015. Collection method: clinical testing. Allele origin: unknown.

GeneDx
Classification: Uncertain significance. Last evaluated: 2023-06-25. Review status: criteria provided, single submitter. Criteria: GeneDx Variant Classification Process June 2021. Collection method: clinical testing. Allele origin: germline. Affected: yes.
Comment: Not observed at significant frequency in large population cohorts (gnomAD); In silico analysis supports that this missense variant does not alter protein structure/function; This variant is associated with the following publications: (PMID: 26921362, 33471991, 26534844)

Women's Health and Genetics/Laboratory Corporation of America, LabCorp
Classification: Uncertain significance. Last evaluated: 2021-10-06. Review status: criteria provided, single submitter. Criteria: LabCorp Variant Classification Summary - May 2015. Collection method: clinical testing. Allele origin: germline.
Comment: Variant summary: BRIP1 c.1660C>G (p.Gln554Glu) results in a conservative amino acid change in the encoded protein sequence. Four of five in-silico tools predict a benign effect of the variant on protein function. The variant allele was found at a frequency of 8e-06 in 251322 control chromosomes (gnomAD). The available data on variant occurrences in the general population are insufficient to allow any conclusion about variant significance. c.1660C>G has been reported in the literature in individuals/families affected with Hereditary Breast And Ovarian Cancer Syndrome (e.g. Easton_2016, Li_2016, Dorling_2021) but it was also reported in unaffected controls (Dorling_2021). In one affected family, a co-occurring pathogenic variant was detected (BRCA1 c.547+1G>T; Li_2016). These reports do not provide unequivocal conclusions about association of the variant with Hereditary Breast And Ovarian Cancer Syndrome. To our knowledge, no experimental evidence demonstrating an impact on protein function has been reported. Four ClinVar submitters (evaluation after 2014) cite the variant as uncertain significance. Based on the evidence outlined above, the variant was classified as uncertain significance.

Quest Diagnostics Nichols Institute San Juan Capistrano
Classification: Uncertain significance. Last evaluated: 2020-12-04. Review status: criteria provided, single submitter. Criteria: Quest Diagnostics criteria. Collection method: clinical testing. Allele origin: unknown.

Literature cited by the submitters: PubMed 26534844 (cited by 5 submitters); PubMed 38136308 (cited by Labcorp Genetics (formerly Invitae), Labcorp and Color Diagnostics, LLC DBA Color Health); PubMed 26921362 (cited by Color Diagnostics, LLC DBA Color Health and Women's Health and Genetics/Laboratory Corporation of America, LabCorp); PubMed 33471991 (cited by Women's Health and Genetics/Laboratory Corporation of America, LabCorp).

NM_032043.3(BRIP1):c.1660C>G (p.Gln554Glu)

Gene: BRIP1 (BRCA1 interacting DNA helicase 1; minus strand). Cytogenetic location: 17q23.2.
Variant type: single nucleotide variant.
Coding change: c.1660C>G on transcript NM_032043.3 (MANE Select); coding-DNA position 1660, C replaced by G.
Protein change: p.Gln554Glu; replaces glutamine 554 with glutamic acid.
Molecular consequence: missense variant.
Genome position (GRCh38, 1-based): chr17:61,780,974, G>C on the plus strand (C>G on the coding strand, the complement: BRIP1 is on the minus strand). VCF-style: chr17-61780974-G-C. GRCh37 (hg19) VCF-style: chr17-59858335-G-C.
Other names: short protein forms Q554E.
Identifiers: ClinVar variation 233173 (VCV000233173.28), dbSNP rs777217004, ClinGen allele CA8690691.